The following is an entry in ClinVar:

NM_018082.6(POLR3B):c.1765G>A (p.Gly589Arg)

Gene: POLR3B (RNA polymerase III subunit B; plus strand). Cytogenetic location: 12q23.3.
Variant type: single nucleotide variant.
Coding change: c.1765G>A on transcript NM_018082.6 (MANE Select); coding-DNA position 1765, G replaced by A.
Protein change: p.Gly589Arg; replaces glycine 589 with arginine.
Molecular consequence: missense variant.
Genome position (GRCh38, 1-based): chr12:106,433,856, G>A. VCF-style: chr12-106433856-G-A. GRCh37 (hg19) VCF-style: chr12-106827634-G-A.
Other names: c.1591G>A, p.Gly531Arg (NM_001160708.2); short protein forms G531R, G589R.
Identifiers: ClinVar variation 2571977 (VCV002571977.1), dbSNP rs2542118910, ClinGen allele CA386390323.

ClinVar aggregate classification (germline): Pathogenic (1 of 4 stars; one submission).

Submission:

GeneDx
Classification: Pathogenic. Last evaluated: 2023-07-07. Review status: criteria provided, single submitter. Criteria: GeneDx Variant Classification Process June 2021. Collection method: clinical testing. Allele origin: germline. Affected: yes.
Comment: Not observed at significant frequency in large population cohorts (gnomAD); In silico analysis supports that this missense variant has a deleterious effect on protein structure/function; Has not been previously published as pathogenic or benign to our knowledge